The following is an entry in ClinVar:

ClinVar aggregate classification (germline): Uncertain significance (1 of 4 stars; one submission).

Submission:

Labcorp Genetics (formerly Invitae), Labcorp
Classification: Uncertain significance. Last evaluated: 2025-06-24. Review status: criteria provided, single submitter. Criteria: Invitae Variant Classification Sherloc (09022015). Collection method: clinical testing. Allele origin: germline.
Comment: This sequence change replaces lysine, which is basic and polar, with asparagine, which is neutral and polar, at codon 186 of the MBD4 protein (p.Lys186Asn). This variant is not present in population databases (gnomAD no frequency). This variant has not been reported in the literature in individuals affected with MBD4-related conditions. An algorithm developed to predict the effect of missense changes on protein structure and function outputs the following: PolyPhen-2: "Benign". The asparagine amino acid residue is found in multiple mammalian species, which suggests that this missense change does not adversely affect protein function. In summary, the available evidence is currently insufficient to determine the role of this variant in disease. Therefore, it has been classified as a Variant of Uncertain Significance.

NM_001276270.2(MBD4):c.558G>T (p.Lys186Asn)

Gene: MBD4 (methyl-CpG binding domain 4, DNA glycosylase; minus strand). Cytogenetic location: 3q21.3.
Variant type: single nucleotide variant.
Coding change: c.558G>T on transcript NM_001276270.2 (MANE Select); coding-DNA position 558, G replaced by T.
Protein change: p.Lys186Asn; replaces lysine 186 with asparagine.
Molecular consequence: missense variant. On other transcripts: intron variant (1).
Genome position (GRCh38, 1-based): chr3:129,437,086, C>A on the plus strand (G>T on the coding strand, the complement: MBD4 is on the minus strand). VCF-style: chr3-129437086-C-A. GRCh37 (hg19) VCF-style: chr3-129155929-C-A.
Other names: c.558G>T, p.Lys186Asn (NM_001276271.2, NM_001276272.2, NM_003925.3); c.247+722G>T (NM_001276273.2); short protein forms K186N.
Identifiers: ClinVar variation 4722008 (VCV004722008.1).